The following is an entry in ClinVar:

NM_000340.2(SLC2A2):c.496+10A>T

Gene: SLC2A2 (solute carrier family 2 member 2; minus strand). Cytogenetic location: 3q26.2.
Variant type: single nucleotide variant.
Coding change: c.496+10A>T on transcript NM_000340.2 (MANE Select); 10 bases into the intron after coding-DNA position 496, A replaced by T.
Molecular consequence: intron variant.
Genome position (GRCh38, 1-based): chr3:171,009,948, T>A on the plus strand (A>T on the coding strand, the complement: SLC2A2 is on the minus strand). VCF-style: chr3-171009948-T-A. GRCh37 (hg19) VCF-style: chr3-170727737-T-A.
Other names: c.139+10A>T (NM_001278658.2); c.-23-2685A>T (NM_001278659.2).
Identifiers: ClinVar variation 785759 (VCV000785759.14), dbSNP rs5403, ClinGen allele CA2702683.

ClinVar aggregate classification (germline): Likely benign. Review status: criteria provided, multiple submitters, no conflicts (2 of 4 stars). 3 submissions from 3 submitters: Likely benign (2). 1 of the submissions does not count toward it. Last evaluated 2025-12-29.

Conditions:
Fanconi-Bickel syndrome (FBS). Also called: Glycogen storage disease due to GLUT2 deficiency; FANCONI SYNDROME WITH INTESTINAL MALABSORPTION AND GALACTOSE INTOLERANCE; HEPATIC GLYCOGENOSIS WITH AMINO ACIDURIA AND GLUCOSURIA; HEPATIC GLYCOGENOSIS WITH FANCONI NEPHROPATHY; HEPATORENAL GLYCOGENOSIS WITH RENAL FANCONI SYNDROME; PSEUDO-PHLORIZIN DIABETES. Identifiers: Orphanet 2088, MedGen C3495427, MONDO:0009216, OMIM 227810.
SLC2A2-related disorder. Also called: SLC2A2-related condition.

Allele frequency attached by ClinVar (database versions not stated): ExAC 0.00013; gnomAD exomes 0.00013 and 0.00014; 1000 Genomes Project 30x 0.00062; gnomAD 0.00114 and 0.00123; 1000 Genomes Project 0.00180.
gnomAD v4.1: 351 of 1,569,362 alleles (0.022%); highest among the groups gnomAD compares: African/African-American, 0.42%; 4 homozygotes.

Submissions (3):

Labcorp Genetics (formerly Invitae), Labcorp
Classification: Likely benign for Fanconi-Bickel syndrome. Last evaluated: 2025-12-29. Review status: criteria provided, single submitter. Criteria: Invitae Variant Classification Sherloc (09022015). Collection method: clinical testing. Allele origin: germline.

Breakthrough Genomics
Classification: Likely benign. Review status: criteria provided, single submitter. Criteria: ACMG Guidelines, 2015. Collection method: not provided. Allele origin: germline. Inheritance: Autosomal recessive inheritance. Affected: yes.

PreventionGenetics, part of Exact Sciences
Classification: Likely benign for SLC2A2-related condition. Last evaluated: 2020-01-14. Review status: no assertion criteria provided. Collection method: clinical testing. Allele origin: germline. Not counted in ClinVar's aggregate classification.
Comment: This variant is classified as likely benign based on ACMG/AMP sequence variant interpretation guidelines (Richards et al. 2015 PMID: 25741868, with internal and published modifications).